The following is an entry in ClinVar:

ClinVar aggregate classification (germline): Uncertain significance. Review status: criteria provided, multiple submitters, no conflicts (2 of 4 stars). 2 submissions from 2 submitters: Uncertain significance (2). Last evaluated 2025-08-20.

Conditions:
Bethlem myopathy 2 (BTHLM2). Identifiers: Orphanet 536516, Orphanet 610, MedGen C4225313, MONDO:0034022, OMIM 616471.
Ullrich congenital muscular dystrophy 2 (UCMD2). Identifiers: Orphanet 75840, MedGen C4225314, MONDO:0014654, OMIM 616470.

Allele frequency attached by ClinVar (database versions not stated): TOPMed below 0.00001; ESP Exome Variant Server 0.00008.
gnomAD v4.1: 1 of 1,613,354 alleles (0.000062%); no homozygotes.

Submissions (2):

Labcorp Genetics (formerly Invitae), Labcorp
Classification: Uncertain significance for Bethlem myopathy 2; Ullrich congenital muscular dystrophy 2. Last evaluated: 2025-08-20. Review status: criteria provided, single submitter. Criteria: Invitae Variant Classification Sherloc (09022015). Collection method: clinical testing. Allele origin: germline.
Comment: This sequence change replaces alanine, which is neutral and non-polar, with threonine, which is neutral and polar, at codon 164 of the COL12A1 protein (p.Ala164Thr). This variant is present in population databases (rs374938590, gnomAD 0.0009%). This variant has not been reported in the literature in individuals affected with COL12A1-related conditions. ClinVar contains an entry for this variant (Variation ID: 2440236). Invitae Evidence Modeling of protein sequence and biophysical properties (such as structural, functional, and spatial information, amino acid conservation, physicochemical variation, residue mobility, and thermodynamic stability) indicates that this missense variant is not expected to disrupt COL12A1 protein function with a negative predictive value of 80%. In summary, the available evidence is currently insufficient to determine the role of this variant in disease. Therefore, it has been classified as a Variant of Uncertain Significance.

Revvity Omics, Revvity
Classification: Uncertain significance. Last evaluated: 2023-10-25. Review status: criteria provided, single submitter. Criteria: ACMG Guidelines, 2015. Collection method: clinical testing. Allele origin: germline.

NM_004370.6(COL12A1):c.490G>A (p.Ala164Thr)

Gene: COL12A1 (collagen type XII alpha 1 chain; minus strand). Cytogenetic location: 6q13.
Variant type: single nucleotide variant.
Coding change: c.490G>A on transcript NM_004370.6 (MANE Select); coding-DNA position 490, G replaced by A.
Protein change: p.Ala164Thr; replaces alanine 164 with threonine.
Molecular consequence: missense variant. On other transcripts: intron variant (1).
Genome position (GRCh38, 1-based): chr6:75,189,720, C>T on the plus strand (G>A on the coding strand, the complement: COL12A1 is on the minus strand). VCF-style: chr6-75189720-C-T. GRCh37 (hg19) VCF-style: chr6-75899436-C-T.
Other names: c.73+13000G>A (NM_080645.3); short protein forms A164T.
Identifiers: ClinVar variation 2440236 (VCV002440236.4), dbSNP rs374938590, ClinGen allele CA3894415.